The following is an entry in ClinVar:

ClinVar aggregate classification (germline): Uncertain significance (1 of 4 stars; one submission).

Conditions:
Hereditary cancer-predisposing syndrome. Also called: Hereditary Cancer Syndrome; Neoplastic Syndromes, Hereditary; Tumor predisposition; Hereditary neoplastic syndrome. Identifiers: Orphanet 140162, MedGen C0027672, MeSH D009386, MONDO:0015356.

Submission:

Ambry Genetics
Classification: Uncertain significance for Hereditary cancer-predisposing syndrome. Last evaluated: 2026-07-07. Review status: criteria provided, single submitter. Criteria: Ambry Variant Classification Scheme 2023. Collection method: clinical testing. Allele origin: germline.
Comment: The p.G669A variant (also known as c.2006G>C), located in coding exon 16 of the EGFR gene, results from a G to C substitution at nucleotide position 2006. The glycine at codon 669 is replaced by alanine, an amino acid with similar properties. This amino acid position is conserved. In addition, this alteration is predicted to be tolerated by in silico analysis. Based on the available evidence, the clinical significance of this variant remains unclear.

NM_005228.5(EGFR):c.1881-743G>C

Gene: EGFR (epidermal growth factor receptor; plus strand). Cytogenetic location: 7p11.2.
Variant type: single nucleotide variant.
Coding change: c.1881-743G>C on transcript NM_005228.5 (MANE Select); 743 bases into the intron before coding-DNA position 1881, G replaced by C.
Molecular consequence: intron variant. On other transcripts: missense variant (1).
Genome position (GRCh38, 1-based): chr7:55,170,432, G>C. VCF-style: chr7-55170432-G-C. GRCh37 (hg19) VCF-style: chr7-55238125-G-C.
Other names: c.2006G>C, p.Gly669Ala (NM_201284.2); c.1746-743G>C (NM_001346899.2, NM_001346897.2); c.1080-743G>C (NM_001346941.2); c.1881-743G>C (NM_001346898.2); c.1722-743G>C (NM_001346900.2); short protein forms G669A.
Identifiers: ClinVar variation 5035766 (VCV005035766.1).